The following is an entry in ClinVar:

NM_015295.3(SMCHD1):c.2335dup (p.Met779fs)

Gene: SMCHD1 (structural maintenance of chromosomes flexible hinge domain containing 1; plus strand). Cytogenetic location: 18p11.32.
Variant type: Duplication.
Coding change: c.2335dup on transcript NM_015295.3 (MANE Select); coding-DNA position 2335, one base duplicated (A; older notation c.2335dupA).
Protein change: p.Met779fs; shifts the reading frame from methionine 779.
Molecular consequence: frameshift variant.
Genome position (GRCh38, 1-based): chr18:2,718,232, A duplicated; the last of 7 consecutive A bases (chr18:2,718,226-2,718,232); duplicating any one gives the same sequence. VCF-style (leftmost placement, unchanged base first): chr18-2718225-T-TA. GRCh37 (hg19) VCF-style: chr18-2718223-T-TA.
Other names: short protein forms M779fs.
Identifiers: ClinVar variation 2972878 (VCV002972878.3), dbSNP rs2510061859, ClinGen allele CA2695227185.

ClinVar aggregate classification (germline): Pathogenic (1 of 4 stars; one submission).

Conditions:
Facioscapulohumeral muscular dystrophy 2 (FSHD2). Also called: MUSCULAR DYSTROPHY, FACIOSCAPULOHUMERAL, TYPE 1B; FACIOSCAPULOHUMERAL MUSCULAR DYSTROPHY 2, DIGENIC; FSHD2, DIGENIC. Identifiers: Orphanet 269, MedGen C1834671, MONDO:0008031, OMIM 158901.

Submission:

Labcorp Genetics (formerly Invitae), Labcorp
Classification: Pathogenic for Facioscapulohumeral muscular dystrophy 2. Last evaluated: 2023-12-05. Review status: criteria provided, single submitter. Criteria: Invitae Variant Classification Sherloc (09022015). Collection method: clinical testing. Allele origin: germline.
Comment: This sequence change creates a premature translational stop signal (p.Met779Asnfs*20) in the SMCHD1 gene. It is expected to result in an absent or disrupted protein product. Loss-of-function variants in SMCHD1 are known to be pathogenic (PMID: 23143600). This variant is not present in population databases (gnomAD no frequency). This premature translational stop signal has been observed in individual(s) with facioscapulohumeral muscular dystrophy (PMID: 31243061). For these reasons, this variant has been classified as Pathogenic.

Literature cited by the submitters: PubMed 23143600; PubMed 31243061.